The following is an entry in ClinVar:

ClinVar aggregate classification (germline): Conflicting classifications of pathogenicity. Review status: criteria provided, conflicting classifications (1 of 4 stars). 9 submissions from 9 submitters: Uncertain significance (1); Benign (1); Likely benign (4). 3 of the submissions do not count toward it. Last evaluated 2026-02-04.

Conditions:
Donnai-Barrow syndrome. Also called: DBS/FOAR SYNDROME; FACIOOCULOACOUSTICORENAL SYNDROME. Identifiers: Orphanet 2143, MedGen C1857277, MONDO:0009104, OMIM 222448.

Allele frequency attached by ClinVar (database versions not stated): 1000 Genomes Project 0.00060; 1000 Genomes Project 30x 0.00062; ESP Exome Variant Server 0.00177; TOPMed 0.00179; gnomAD 0.00196; gnomAD exomes 0.00213 and 0.00347; ExAC 0.00241.
gnomAD v4.1: 5,350 of 1,614,168 alleles (0.33%); highest among the groups gnomAD compares: Non-Finnish European, 0.41%; 21 homozygotes.

Submissions (9):

Labcorp Genetics (formerly Invitae), Labcorp
Classification: Benign. Last evaluated: 2026-02-04. Review status: criteria provided, single submitter. Criteria: Invitae Variant Classification Sherloc (09022015). Collection method: clinical testing. Allele origin: germline.

Blueprint Genetics
Classification: Likely benign. Last evaluated: 2024-11-26. Review status: criteria provided, single submitter. Criteria: ACMG Guidelines, 2015. Collection method: clinical testing. Allele origin: germline.

CeGaT Center for Human Genetics Tuebingen
Classification: Likely benign. Last evaluated: 2024-09-01. Review status: criteria provided, single submitter. Criteria: CeGaT Center For Human Genetics Tuebingen Variant Classification Criteria Version 2. Collection method: clinical testing. Allele origin: germline. Affected: yes. Observed: 11 variant alleles.
Comment: LRP2: BP4, BS2

Department of Pathology and Laboratory Medicine, Sinai Health System
Classification: Likely benign for Donnai-Barrow syndrome. Last evaluated: 2021-07-30. Review status: criteria provided, single submitter. Criteria: ACMG Guidelines, 2015. Collection method: research. Allele origin: germline.

Genome-Nilou Lab
Classification: Likely benign for Donnai-Barrow syndrome. Last evaluated: 2021-07-15. Review status: criteria provided, single submitter. Criteria: ACMG Guidelines, 2015. Collection method: clinical testing. Allele origin: germline. Affected: no.

Illumina Laboratory Services, Illumina
Classification: Uncertain significance for Donnai-Barrow syndrome. Last evaluated: 2017-04-27. Review status: criteria provided, single submitter. Criteria: ICSL Variant Classification Criteria 13 December 2019. Collection method: clinical testing. Allele origin: germline.
Comment: This variant was observed as part of a predisposition screen in an ostensibly healthy population. A literature search was performed for the gene, cDNA change, and amino acid change (where applicable). Publications were found based on this search. However, the evidence from the literature, in combination with allele frequency data from public databases where available, was not sufficient to rule this variant in or out of causing disease. Therefore, this variant is classified as a variant of unknown significance.

Clinical Genetics DNA and cytogenetics Diagnostics Lab, Erasmus MC, Erasmus Medical Center
Classification: Likely benign. Review status: no assertion criteria provided. Collection method: clinical testing. Allele origin: germline. Affected: yes. Study: VKGL Data-share Consensus. Not counted in ClinVar's aggregate classification.

Joint Genome Diagnostic Labs from Nijmegen and Maastricht, Radboudumc and MUMC+
Classification: Likely benign. Review status: no assertion criteria provided. Collection method: clinical testing. Allele origin: germline. Affected: yes. Study: VKGL Data-share Consensus. Not counted in ClinVar's aggregate classification.

Laboratory of Diagnostic Genome Analysis, Leiden University Medical Center (LUMC)
Classification: Likely benign. Review status: no assertion criteria provided. Collection method: clinical testing. Allele origin: germline. Affected: yes. Study: VKGL Data-share Consensus. Not counted in ClinVar's aggregate classification.

Literature cited by the submitters: PubMed 24876117 (cited by Illumina Laboratory Services, Illumina).

NM_004525.3(LRP2):c.6850A>G (p.Thr2284Ala)

Gene: LRP2 (LDL receptor related protein 2; minus strand). Cytogenetic location: 2q31.1.
Variant type: single nucleotide variant.
Coding change: c.6850A>G on transcript NM_004525.3 (MANE Select); coding-DNA position 6850, A replaced by G.
Protein change: p.Thr2284Ala; replaces threonine 2284 with alanine.
Molecular consequence: missense variant.
Genome position (GRCh38, 1-based): chr2:169,206,870, T>C on the plus strand (A>G on the coding strand, the complement: LRP2 is on the minus strand). VCF-style: chr2-169206870-T-C. GRCh37 (hg19) VCF-style: chr2-170063380-T-C.
Other names: short protein forms T2284A.
Identifiers: ClinVar variation 710727 (VCV000710727.57), dbSNP rs35413340, ClinGen allele CA1954205.